The following is an entry in ClinVar:

NM_000057.4(BLM):c.3560T>C (p.Val1187Ala)

Gene: BLM (BLM RecQ like helicase; plus strand). Cytogenetic location: 15q26.1.
Variant type: single nucleotide variant.
Coding change: c.3560T>C on transcript NM_000057.4 (MANE Select); coding-DNA position 3560, T replaced by C.
Protein change: p.Val1187Ala; replaces valine 1187 with alanine.
Molecular consequence: missense variant. On other transcripts: intron variant (1).
Genome position (GRCh38, 1-based): chr15:90,804,168, T>C. VCF-style: chr15-90804168-T-C. GRCh37 (hg19) VCF-style: chr15-91347398-T-C.
Other names: c.3560T>C, p.Val1187Ala (NM_001287246.2); c.2435T>C, p.Val812Ala (NM_001287248.2); c.3359-4969T>C (NM_001287247.2); short protein forms V812A, V1187A.
Identifiers: ClinVar variation 2738278 (VCV002738278.4), dbSNP rs2505549360, ClinGen allele CA393847876.

ClinVar aggregate classification (germline): Uncertain significance. Review status: criteria provided, multiple submitters, no conflicts (2 of 4 stars). 2 submissions from 2 submitters: Uncertain significance (2). Last evaluated 2026-06-03.

Conditions:
Hereditary cancer-predisposing syndrome. Also called: Tumor predisposition; Hereditary neoplastic syndrome; Neoplastic Syndromes, Hereditary; Hereditary Cancer Syndrome. Identifiers: Orphanet 140162, MedGen C0027672, MeSH D009386, MONDO:0015356.
Bloom syndrome (BLM). Also called: Bloom-Torre-Machacek syndrome. Identifiers: Orphanet 125, MedGen C0005859, MONDO:0008876, OMIM 210900.

Submissions (2):

Ambry Genetics
Classification: Uncertain significance for Hereditary cancer-predisposing syndrome. Last evaluated: 2026-06-03. Review status: criteria provided, single submitter. Criteria: Ambry Variant Classification Scheme 2023. Collection method: clinical testing. Allele origin: germline.
Comment: The p.V1187A variant (also known as c.3560T>C), located in coding exon 18 of the BLM gene, results from a T to C substitution at nucleotide position 3560. The valine at codon 1187 is replaced by alanine, an amino acid with similar properties. This amino acid position is conserved. In addition, this alteration is predicted to be deleterious by in silico analysis. Based on the available evidence, the clinical significance of this variant remains unclear.

Labcorp Genetics (formerly Invitae), Labcorp
Classification: Uncertain significance for Bloom syndrome. Last evaluated: 2025-06-23. Review status: criteria provided, single submitter. Criteria: Invitae Variant Classification Sherloc (09022015). Collection method: clinical testing. Allele origin: germline.
Comment: This sequence change replaces valine, which is neutral and non-polar, with alanine, which is neutral and non-polar, at codon 1187 of the BLM protein (p.Val1187Ala). This variant is not present in population databases (gnomAD no frequency). This variant has not been reported in the literature in individuals affected with BLM-related conditions. ClinVar contains an entry for this variant (Variation ID: 2738278). An algorithm developed to predict the effect of missense changes on protein structure and function (PolyPhen-2) suggests that this variant is likely to be disruptive. In summary, the available evidence is currently insufficient to determine the role of this variant in disease. Therefore, it has been classified as a Variant of Uncertain Significance.